The following is an entry in ClinVar:

NM_006766.5(KAT6A):c.3348_3349dup (p.Asp1117fs)

Gene: KAT6A (lysine acetyltransferase 6A; minus strand). Cytogenetic location: 8p11.21.
Variant type: Duplication.
Coding change: c.3348_3349dup on transcript NM_006766.5 (MANE Select); coding-DNA positions 3348 to 3349, 2 bases duplicated (TG; older notation c.3348_3349dupTG).
Protein change: p.Asp1117fs; shifts the reading frame from aspartic acid 1117.
Molecular consequence: frameshift variant.
Genome position (GRCh38, 1-based): chr8:41,937,259-41,937,260, CA duplicated on the plus strand (TG on the coding strand, the reverse complement: KAT6A is on the minus strand). VCF-style (leftmost placement, unchanged base first): chr8-41937258-T-TCA. GRCh37 (hg19) VCF-style: chr8-41794776-T-TCA.
Other names: short protein forms D1117fs.
Identifiers: ClinVar variation 2430855 (VCV002430855.1), dbSNP rs2486763031, ClinGen allele CA2580078297.

ClinVar aggregate classification (germline): Pathogenic. Review status: criteria provided, multiple submitters, no conflicts (2 of 4 stars). 2 submissions from 2 submitters: Pathogenic (2). Last evaluated 2025-09-03.

Conditions:
Autosomal dominant intellectual disability-craniofacial anomalies-cardiac defects syndrome (ARTHS). Also called: Arboleda-Tham syndrome; Mental retardation, autosomal dominant 32; KAT6A syndrome. Identifiers: Orphanet 457193, MedGen C4225396, MONDO:0014558, OMIM 616268.

Submissions (2):

Variantyx, Inc.
Classification: Pathogenic for Autosomal dominant intellectual disability-craniofacial anomalies-cardiac defects syndrome. Last evaluated: 2025-09-03. Review status: criteria provided, single submitter. Criteria: Variantyx Assertion Criteria 2022. Collection method: clinical testing. Allele origin: germline. Inheritance: Autosomal recessive inheritance. Affected: yes.
Comment: This is a frameshift variant in the KAT6A gene (OMIM: 601408). Pathogenic variants in this gene have been associated with autosomal dominant Arboleda-Tham syndrome. This variant introduces a premature termination codon in exon 16 out of 17 and is expected to result in loss of function, which is a known disease mechanism for KAT6A in this disorder (PMID: 30245513, 34930245) (PVS1). Phenotypic differences between early-truncating pathogenic variants (exons 1-15) and late-truncating pathogenic variants (exons 16-17) have been reported. Namely, a bias of increased severity of developmental delay and increased frequency of microcephaly, neonatal hypotonia, gastrointestinal complications and congenital heart defects are associated with second type of pathogenic variants (PMID: 30245513). This variant is absent from control populations (PM2) and has been reported in the heterozygous state in an affected individual (PMID: 35892268). Based on the current evidence, this variant is classified as pathogenic for autosomal dominant Arboleda-Tham syndrome.

GeneDx
Classification: Pathogenic. Last evaluated: 2022-08-09. Review status: criteria provided, single submitter. Criteria: GeneDx Variant Classification Process June 2021. Collection method: clinical testing. Allele origin: germline. Affected: yes.
Comment: Frameshift variant predicted to result in protein truncation, as the last 888 amino acids are replaced with 6 different amino acids, and other loss-of-function variants have been reported downstream in HGMD; Not observed at significant frequency in large population cohorts (gnomAD); Has not been previously published as pathogenic or benign to our knowledge

Literature cited by the submitters: PubMed 30245513 (cited by Variantyx, Inc.); PubMed 34930245 (cited by Variantyx, Inc.).